The following is an entry in ClinVar:

NM_001374736.1(DST):c.15085A>G (p.Arg5029Gly)

Gene: DST (dystonin; minus strand). Cytogenetic location: 6p12.1.
Variant type: single nucleotide variant.
Coding change: c.15085A>G on transcript NM_001374736.1 (MANE Select); coding-DNA position 15085, A replaced by G.
Protein change: p.Arg5029Gly; replaces arginine 5029 with glycine.
Molecular consequence: missense variant.
Genome position (GRCh38, 1-based): chr6:56,555,396, T>C on the plus strand (A>G on the coding strand, the complement: DST is on the minus strand). VCF-style: chr6-56555396-T-C. GRCh37 (hg19) VCF-style: chr6-56420194-T-C.
Other names: c.8728A>G, p.Arg2910Gly (NM_001144769.5); c.8314A>G, p.Arg2772Gly (NM_001144770.2); c.15085A>G, p.Arg5029Gly (NM_001374722.1); c.14452A>G, p.Arg4818Gly (NM_001374729.1); c.8194A>G, p.Arg2732Gly (NM_001374730.1, NM_183380.4); c.15112A>G, p.Arg5038Gly (NM_001374734.1); c.7216A>G, p.Arg2406Gly (NM_015548.5); short protein forms R2910G, R2732G, R2772G, R4818G, R2406G, R5029G, R5038G.
Identifiers: ClinVar variation 970541 (VCV000970541.8), dbSNP rs2097397900, ClinGen allele CA364518532.

ClinVar aggregate classification (germline): Uncertain significance (1 of 4 stars; one submission).

Conditions:
Epidermolysis bullosa simplex 3, localized or generalized intermediate, with BP230 deficiency (EBS3). Also called: Epidermolysis bullosa simplex, autosomal recessive 2; Epidermolysis bullosa simplex due to BP230 deficiency. Identifiers: Orphanet 412181, MedGen C3809470, MONDO:0014180, OMIM 615425.
Hereditary sensory and autonomic neuropathy type 6. Also called: Neuropathy, hereditary sensory and autonomic, type VI; HSAN VI. Identifiers: Orphanet 314381, MedGen C3539003, MONDO:0013839, OMIM 614653.

Submission:

Labcorp Genetics (formerly Invitae), Labcorp
Classification: Uncertain significance for Epidermolysis bullosa simplex 3, localized or generalized intermediate, with BP230 deficiency; Hereditary sensory and autonomic neuropathy type 6. Last evaluated: 2019-08-11. Review status: criteria provided, single submitter. Criteria: Invitae Variant Classification Sherloc (09022015). Collection method: clinical testing. Allele origin: germline.
Comment: In summary, the available evidence is currently insufficient to determine the role of this variant in disease. Therefore, it has been classified as a Variant of Uncertain Significance. Algorithms developed to predict the effect of missense changes on protein structure and function are either unavailable or do not agree on the potential impact of this missense change (SIFT: "Tolerated"; PolyPhen-2: "Not Available"; Align-GVGD: "Class C0"). This variant has not been reported in the literature in individuals with DST-related conditions. This variant is not present in population databases (ExAC no frequency). This sequence change replaces arginine with glycine at codon 2406 of the DST protein (p.Arg2406Gly). The arginine residue is moderately conserved and there is a moderate physicochemical difference between arginine and glycine. The DST gene has multiple clinically relevant transcripts. The p.Arg2406Gly variant occurs in alternate transcript NM_015548.4, which corresponds to c.*60121A>G in NM_001723.5, the primary transcript listed in the Methods.